The following is an entry in ClinVar:

NM_006545.5(NPRL2):c.170T>C (p.Val57Ala)

Gene: NPRL2 (NPR2 like, GATOR1 complex subunit; minus strand). Cytogenetic location: 3p21.31.
Variant type: single nucleotide variant.
Coding change: c.170T>C on transcript NM_006545.5 (MANE Select); coding-DNA position 170, T replaced by C.
Protein change: p.Val57Ala; replaces valine 57 with alanine.
Molecular consequence: missense variant.
Genome position (GRCh38, 1-based): chr3:50,349,931, A>G on the plus strand (T>C on the coding strand, the complement: NPRL2 is on the minus strand). VCF-style: chr3-50349931-A-G. GRCh37 (hg19) VCF-style: chr3-50387362-A-G.
Other names: short protein forms V57A.
Identifiers: ClinVar variation 5009567 (VCV005009567.1).

ClinVar aggregate classification (germline): Uncertain significance (1 of 4 stars; one submission).

gnomAD v4.1: 1 of 1,613,850 alleles (0.000062%); highest among the groups gnomAD compares: Non-Finnish European, 0.000085%; no homozygotes.

Submission:

GeneDx
Classification: Uncertain significance. Last evaluated: 2026-03-21. Review status: criteria provided, single submitter. Criteria: GeneDx Variant Classification Process June 2021. Collection method: clinical testing. Allele origin: germline.
Comment: Not observed at significant frequency in large population cohorts (gnomAD); In silico analysis supports that this missense variant has a deleterious effect on protein structure/function; Has not been previously published as pathogenic or benign to our knowledge; In silico analysis is inconclusive as to whether the variant alters gene splicing. In the absence of RNA/functional studies, the actual effect of this sequence change is unknown.